The following is an entry in ClinVar:

ClinVar aggregate classification (germline): Conflicting classifications of pathogenicity. Review status: criteria provided, conflicting classifications (1 of 4 stars). 3 submissions from 3 submitters: Uncertain significance (1); Likely benign (2). Last evaluated 2025-05-06.

Conditions:
C1R-related disorder. Also called: C1R-related condition.

Allele frequency attached by ClinVar (database versions not stated): ExAC 0.00006; gnomAD 0.00011; TOPMed 0.00011; gnomAD exomes 0.00018.
gnomAD v4.1: 129 of 776,878 alleles (0.017%); highest among the groups gnomAD compares: Non-Finnish European, 0.028%; no homozygotes.

Submissions (3):

Women's Health and Genetics/Laboratory Corporation of America, LabCorp
Classification: Likely benign. Last evaluated: 2025-05-06. Review status: criteria provided, single submitter. Criteria: LabCorp Variant Classification Summary - May 2015. Collection method: clinical testing. Allele origin: germline.
Comment: Variant summary: C1R c.880G>A (p.Asp294Asn) results in a conservative amino acid change in the encoded protein sequence. Algorithms developed to predict the effect of missense changes on protein structure and function are either unavailable or do not agree on the potential impact of this missense change. The variant allele was found at a frequency of 9e-05 in 243172 control chromosomes. The observed variant frequency is approximately 90 fold of the estimated maximal expected allele frequency for a pathogenic variant in C1R causing Ehlers-Danlos syndrome, periodontal type 1 phenotype (1e-06). To our knowledge, no occurrence of c.880G>A in individuals affected with Ehlers-Danlos syndrome, periodontal type 1 and no experimental evidence demonstrating its impact on protein function have been reported. ClinVar contains an entry for this variant (Variation ID: 2634609). Based on the evidence outlined above, the variant was classified as likely benign.

Blueprint Genetics
Classification: Likely benign. Last evaluated: 2024-07-29. Review status: criteria provided, single submitter. Criteria: ACMG Guidelines, 2015. Collection method: clinical testing. Allele origin: germline.

PreventionGenetics, part of Exact Sciences
Classification: Uncertain significance for C1R-related condition. Last evaluated: 2023-05-23. Review status: criteria provided, single submitter. Criteria: ACMG Guidelines, 2015. Collection method: clinical testing. Allele origin: germline.
Comment: The C1R c.880G>A variant is predicted to result in the amino acid substitution p.Asp294Asn. To our knowledge, this variant has not been reported in the literature. This variant is reported in 0.018% of alleles in individuals of European (Non-Finnish) descent in gnomAD, which may be too common to be causative of disease. Although we suspect that this variant may be benign, at this time, the clinical significance of this variant is uncertain due to the absence of conclusive functional and genetic evidence.

NM_001733.7(C1R):c.880G>A (p.Asp294Asn)

Gene: C1R (complement C1r; minus strand). Cytogenetic location: 12p13.31.
Variant type: single nucleotide variant.
Coding change: c.880G>A on transcript NM_001733.7 (MANE Select); coding-DNA position 880, G replaced by A.
Protein change: p.Asp294Asn; replaces aspartic acid 294 with asparagine.
Molecular consequence: missense variant.
Genome position (GRCh38, 1-based): chr12:7,088,875, C>T on the plus strand (G>A on the coding strand, the complement: C1R is on the minus strand). VCF-style: chr12-7088875-C-T. GRCh37 (hg19) VCF-style: chr12-7241471-C-T.
Other names: c.922G>A, p.Asp308Asn (NM_001354346.2); short protein forms D294N, D308N.
Identifiers: ClinVar variation 2634609 (VCV002634609.3), dbSNP rs200899486, ClinGen allele CA6424107.
Genomic context (GRCh38, chr12:7,088,875, plus strand): 5'-AGGGAGGCCTGCAGGGAGCCTTACTCTCGGTGGTGTAGCGCAGCTTCCAGCCCCGGCTGT[C>T]CCCCGACTCATCTGTGAAGAACAGCAGATCCACAGCATTGCTGCTGGTGTCGAGGTCGGG-3'
Protein context (NP_001724.4, residues 284-304): DLLFFTDESG[Asp294Asn]SRGWKLRYTT